The following is an entry in ClinVar:

NM_001017979.3(RAB28):c.234del (p.Met78fs)

Gene: RAB28 (RAB28, member RAS oncogene family; minus strand). Cytogenetic location: 4p15.33.
Variant type: Deletion.
Coding change: c.234del on transcript NM_001017979.3 (MANE Select); coding-DNA position 234, one base deleted (G; older notation c.234delG).
Protein change: p.Met78fs; shifts the reading frame from methionine 78.
Molecular consequence: frameshift variant.
Genome position (GRCh38, 1-based): chr4:13,474,345, C deleted on the plus strand (G on the coding strand, the reverse complement: RAB28 is on the minus strand). VCF-style (leftmost placement, unchanged base first): chr4-13474344-AC-A. GRCh37 (hg19) VCF-style: chr4-13475968-AC-A.
Other names: c.234del, p.Met78fs (NM_001159601.2, NM_004249.4); short protein forms M78fs.
Identifiers: ClinVar variation 2772471 (VCV002772471.3), dbSNP rs2474391553, ClinGen allele CA2697557071.

ClinVar aggregate classification (germline): Pathogenic (1 of 4 stars; one submission).

Submission:

Labcorp Genetics (formerly Invitae), Labcorp
Classification: Pathogenic. Last evaluated: 2023-10-28. Review status: criteria provided, single submitter. Criteria: Invitae Variant Classification Sherloc (09022015). Collection method: clinical testing. Allele origin: germline.
Comment: This sequence change creates a premature translational stop signal (p.Met78Ilefs*27) in the RAB28 gene. It is expected to result in an absent or disrupted protein product. Loss-of-function variants in RAB28 are known to be pathogenic (PMID: 23746546, 25356532, 27529348). This variant is not present in population databases (gnomAD no frequency). This variant has not been reported in the literature in individuals affected with RAB28-related conditions. For these reasons, this variant has been classified as Pathogenic.

Literature cited by the submitters: PubMed 23746546; PubMed 25356532; PubMed 27529348.